The following continues an entry in ClinVar:

NM_000138.5(FBN1):c.902G>T (p.Gly301Val)

Gene: FBN1. ClinVar aggregate classification (germline): Conflicting classifications of pathogenicity. Uncertain significance (4); Benign (4); Likely benign (12).

Submissions 16 to 21 of 21:

Illumina Laboratory Services, Illumina
Classification: Likely benign for Marfan syndrome. Last evaluated: 2018-01-13. Review status: criteria provided, single submitter. Criteria: ICSL Variant Classification Criteria 13 December 2019. Collection method: clinical testing. Allele origin: germline.
Comment: This variant was observed in the ICSL laboratory as part of a predisposition screen in an ostensibly healthy population. It had not been previously curated by ICSL or reported in the Human Gene Mutation Database (HGMD: prior to June 1st, 2018), and was therefore a candidate for classification through an automated scoring system. Utilizing variant allele frequency, disease prevalence and penetrance estimates, and inheritance mode, an automated score was calculated to assess if this variant is too frequent to cause the disease. Based on the score and internal cut-off values, a variant classified as likely benign is not then subjected to further curation. The score for this variant resulted in a classification of likely benign for this disease.

Illumina Laboratory Services, Illumina
Classification: Benign for Stiff skin syndrome. Last evaluated: 2018-01-13. Review status: criteria provided, single submitter. Criteria: ICSL Variant Classification Criteria 13 December 2019. Collection method: clinical testing. Allele origin: germline.
Comment: This variant was observed in the ICSL laboratory as part of a predisposition screen in an ostensibly healthy population. It had not been previously curated by ICSL or reported in the Human Gene Mutation Database (HGMD: prior to June 1st, 2018), and was therefore a candidate for classification through an automated scoring system. Utilizing variant allele frequency, disease prevalence and penetrance estimates, and inheritance mode, an automated score was calculated to assess if this variant is too frequent to cause the disease. Based on the score and internal cut-off values, a variant classified as benign is not then subjected to further curation. The score for this variant resulted in a classification of benign for this disease.

Illumina Laboratory Services, Illumina
Classification: Uncertain significance for Familial thoracic aortic aneurysm and aortic dissection. Last evaluated: 2018-01-13. Review status: criteria provided, single submitter. Criteria: ICSL Variant Classification Criteria 13 December 2019. Collection method: clinical testing. Allele origin: germline.

Illumina Laboratory Services, Illumina
Classification: Likely benign for Weill-Marchesani syndrome. Last evaluated: 2018-01-13. Review status: criteria provided, single submitter. Criteria: ICSL Variant Classification Criteria 13 December 2019. Collection method: clinical testing. Allele origin: germline.
Comment: the same text as in the submission from Illumina Laboratory Services, Illumina above.

Center for Genomics, Ann and Robert H. Lurie Children's Hospital of Chicago
Classification: Uncertain significance for Geleophysic dysplasia 2; Weill-Marchesani syndrome 2, dominant; Ectopia lentis 1, isolated, autosomal dominant; MASS syndrome; Progeroid and marfanoid aspect-lipodystrophy syndrome; Acromicric dysplasia; Marfan syndrome; Stiff skin syndrome. Review status: criteria provided, single submitter. Criteria: ACMG Guidelines, 2015. Collection method: clinical testing. Allele origin: germline.
Comment: This variant has been reported in the literature in at least four individuals with various phenotypes including Marfan syndrome, thoracic aortic aneurysm and dissection, and vascular anomalies (Ziganshin 2015 PMID:26188975; Franken 2016 PMID:26787436; Mattassi 2017 PMID:28655553). This variant is present in the Genome Aggregation Database (Highest reported MAF: 0.035% [45/129138]). This variant is also present in ClinVar (Variation ID:199960). Evolutionary conservation and computational predictive tools for this variant are unclear. In summary, data on this variant is insufficient for disease classification. Therefore, the clinical significance of this variant is uncertain.

Center for Medical Genetics Ghent, University of Ghent
Classification: Uncertain significance for Marfan syndrome. Last evaluated: 2017-11-07. Review status: no assertion criteria provided. Collection method: clinical testing. Allele origin: germline. Affected: yes. Not counted in ClinVar's aggregate classification.

Literature cited by the submitters: PubMed 26188975 (cited by 3 submitters); PubMed 26787436 (cited by 3 submitters); PubMed 28655553 (cited by Women's Health and Genetics/Laboratory Corporation of America, LabCorp and Ambry Genetics); PubMed 25613431 (cited by Women's Health and Genetics/Laboratory Corporation of America, LabCorp).